The following is an entry in ClinVar:

NM_007294.4(BRCA1):c.3747C>G (p.Thr1249=)

Genes: BRCA1 (BRCA1 DNA repair associated; minus strand), LOC126862571 (BRD4-independent group 4 enhancer GRCh37_chr17:41243136-41244335; plus strand). Cytogenetic location: 17q21.31.
Variant type: single nucleotide variant.
Coding change: c.3747C>G on transcript NM_007294.4 (MANE Select); coding-DNA position 3747, C replaced by G.
Protein change: p.Thr1249=; no amino-acid change (threonine 1249 retained).
Molecular consequence: synonymous variant. On other transcripts: intron variant (135).
Genome position (GRCh38, 1-based): chr17:43,091,784, G>C on the plus strand (C>G on the coding strand, the complement: BRCA1 is on the minus strand). VCF-style: chr17-43091784-G-C. GRCh37 (hg19) VCF-style: chr17-41243801-G-C.
Other names: c.3606C>G, p.Thr1202= (NM_001407739.1, NM_001407850.1, NM_001407752.1 and 29 more transcripts); c.3603C>G, p.Thr1201= (NM_001407740.1, NM_001407741.1, NM_001407742.1 and 20 more transcripts); c.3534C>G, p.Thr1178= (NM_001407571.1, NM_001407853.1, NM_001407894.1 and 9 more transcripts); c.3747C>G, p.Thr1249= (NM_001407581.1, NM_001407582.1, NM_001407583.1 and 30 more transcripts); c.3744C>G, p.Thr1248= (NM_001407587.1, NM_001407590.1, NM_001407591.1 and 22 more transcripts); c.3738C>G, p.Thr1246= (NM_001407646.1, NM_001407647.1); c.3624C>G, p.Thr1208= (NM_001407648.1, NM_001407664.1, NM_001407665.1 and 19 more transcripts); c.3621C>G, p.Thr1207= (NM_001407649.1, NM_001407670.1, NM_001407671.1 and 11 more transcripts); and 41 more.
Identifiers: ClinVar variation 510750 (VCV000510750.5), dbSNP rs587780801, ClinGen allele CA500232239.
Genomic context (GRCh38, chr17:43,091,784, plus strand): 5'-GTCATTTAAGCTATTCTTCAATGATAATAAATTCTCCTCTGTGTTCTTAGACAGACACTC[G>C]GTAGCAACGGTGCTATGCCTAGTAGACTGAGAAGGTATATTGTTTACTTTACCAAATAAC-3'
Protein context (NP_009225.1, residues 1239-1259): SQSTRHSTVA[Thr1249=]ECLSKNTEEN

ClinVar aggregate classification (germline): Likely benign. Review status: criteria provided, multiple submitters, no conflicts (2 of 4 stars). 3 submissions from 3 submitters: Likely benign (3). Last evaluated 2025-01-06.

Conditions:
Hereditary cancer-predisposing syndrome. Also called: Hereditary neoplastic syndrome; Hereditary Cancer Syndrome; Neoplastic Syndromes, Hereditary; Tumor predisposition. Identifiers: Orphanet 140162, MedGen C0027672, MeSH D009386, MONDO:0015356.

Submissions (3):

Ambry Genetics
Classification: Likely benign for Hereditary cancer-predisposing syndrome. Last evaluated: 2025-01-06. Review status: criteria provided, single submitter. Criteria: Ambry Variant Classification Scheme 2023. Collection method: clinical testing. Allele origin: germline.

Women's Health and Genetics/Laboratory Corporation of America, LabCorp
Classification: Likely benign. Last evaluated: 2019-08-21. Review status: criteria provided, single submitter. Criteria: LabCorp Variant Classification Summary - May 2015. Collection method: clinical testing. Allele origin: germline.

GeneDx
Classification: Likely benign. Last evaluated: 2017-07-07. Review status: criteria provided, single submitter. Criteria: GeneDx Variant Classification (06012015). Collection method: clinical testing. Allele origin: germline. Affected: yes.
Comment: This variant is considered likely benign or benign based on one or more of the following criteria: it is a conservative change, it occurs at a poorly conserved position in the protein, it is predicted to be benign by multiple in silico algorithms, and/or has population frequency not consistent with disease.